The following is an entry in ClinVar:

ClinVar aggregate classification (germline): Conflicting classifications of pathogenicity. Review status: criteria provided, conflicting classifications (1 of 4 stars). 2 submissions from 1 submitter: Uncertain significance (1); Likely benign (1). Last evaluated 2018-01-12.

Conditions:
Senior-Loken syndrome 4 (SLSN4). Identifiers: Orphanet 3156, MedGen C1846979, MONDO:0011756, OMIM 606996.
Nephronophthisis 4 (NPHP4). Also called: NEPHRONOPHTHISIS 4, JUVENILE. Identifiers: Orphanet 655, MedGen C1847013, MONDO:0011752, OMIM 606966.

Allele frequency attached by ClinVar (database versions not stated): TOPMed 0.00068; gnomAD 0.00070 and 0.00076; 1000 Genomes Project 30x 0.00109; 1000 Genomes Project 0.00120.

Submissions (2):

Illumina Laboratory Services, Illumina
Classification: Uncertain significance for Nephronophthisis 4. Last evaluated: 2018-01-12. Review status: criteria provided, single submitter. Criteria: ICSL Variant Classification Criteria 13 December 2019. Collection method: clinical testing. Allele origin: germline.

Illumina Laboratory Services, Illumina
Classification: Likely benign for Senior-Loken syndrome 4. Last evaluated: 2018-01-12. Review status: criteria provided, single submitter. Criteria: ICSL Variant Classification Criteria 13 December 2019. Collection method: clinical testing. Allele origin: germline.
Comment: This variant was observed in the ICSL laboratory as part of a predisposition screen in an ostensibly healthy population. It had not been previously curated by ICSL or reported in the Human Gene Mutation Database (HGMD: prior to June 1st, 2018), and was therefore a candidate for classification through an automated scoring system. Utilizing variant allele frequency, disease prevalence and penetrance estimates, and inheritance mode, an automated score was calculated to assess if this variant is too frequent to cause the disease. Based on the score and internal cut-off values, a variant classified as likely benign is not then subjected to further curation. The score for this variant resulted in a classification of likely benign for this disease.

NM_015102.5(NPHP4):c.-90A>T

Genes: NPHP4 (nephrocystin 4; minus strand), LOC129929213 (ATAC-STARR-seq lymphoblastoid silent region 134; plus strand). Cytogenetic location: 1p36.31.
Variant type: single nucleotide variant.
Coding change: c.-90A>T on transcript NM_015102.5 (MANE Select); 90 bases upstream of the start codon, A replaced by T.
Molecular consequence: 5 prime UTR variant. On other transcripts: non-coding transcript variant (1).
Genome position (GRCh38, 1-based): chr1:5,992,295, T>A on the plus strand (A>T on the coding strand, the complement: NPHP4 is on the minus strand). VCF-style: chr1-5992295-T-A. GRCh37 (hg19) VCF-style: chr1-6052355-T-A.
Other names: c.-1319A>T (NM_001291593.2); c.-1139A>T (NM_001291594.2).
Identifiers: ClinVar variation 297834 (VCV000297834.5), dbSNP rs527962872, ClinGen allele CA10611504.